The following is an entry in ClinVar:

NM_004064.5(CDKN1B):c.154A>G (p.Met52Val)

Gene: CDKN1B (cyclin dependent kinase inhibitor 1B; plus strand). Cytogenetic location: 12p13.1.
Variant type: single nucleotide variant.
Coding change: c.154A>G on transcript NM_004064.5 (MANE Select); coding-DNA position 154, A replaced by G.
Protein change: p.Met52Val; replaces methionine 52 with valine.
Molecular consequence: missense variant.
Genome position (GRCh38, 1-based): chr12:12,717,993, A>G. VCF-style: chr12-12717993-A-G. GRCh37 (hg19) VCF-style: chr12-12870927-A-G.
Other names: c.154A>G (NM_004064.3); short protein forms M52V.
Identifiers: ClinVar variation 972320 (VCV000972320.11), dbSNP rs760647541, ClinGen allele CA383969017.
Genomic context (GRCh38, chr12:12,717,993, plus strand): 5'-CTCTTCGGCCCGGTGGACCACGAAGAGTTAACCCGGGACTTGGAGAAGCACTGCAGAGAC[A>G]TGGAAGAGGCGAGCCAGCGCAAGTGGAATTTCGATTTTCAGAATCACAAACCCCTAGAGG-3'
Protein context (NP_004055.1, residues 42-62): TRDLEKHCRD[Met52Val]EEASQRKWNF

ClinVar aggregate classification (germline): Uncertain significance. Review status: criteria provided, multiple submitters, no conflicts (2 of 4 stars). 2 submissions from 2 submitters: Uncertain significance (2). Last evaluated 2023-06-11.

Conditions:
Hereditary cancer-predisposing syndrome. Also called: Tumor predisposition; Hereditary Cancer Syndrome; Neoplastic Syndromes, Hereditary; Hereditary neoplastic syndrome. Identifiers: Orphanet 140162, MedGen C0027672, MeSH D009386, MONDO:0015356.
Multiple endocrine neoplasia type 4. Also called: MULTIPLE ENDOCRINE NEOPLASIA, TYPE IV. Identifiers: Orphanet 276152, MedGen C1970712, MONDO:0012552, OMIM 610755.

gnomAD v4.1: 5 of 1,614,256 alleles (0.00031%); highest among the groups gnomAD compares: South Asian, 0.0011%; no homozygotes.

Submissions (2):

Ambry Genetics
Classification: Uncertain significance for Hereditary cancer-predisposing syndrome. Last evaluated: 2023-06-11. Review status: criteria provided, single submitter. Criteria: Ambry Variant Classification Scheme 2023. Collection method: clinical testing. Allele origin: germline.
Comment: The p.M52V variant (also known as c.154A>G), located in coding exon 1 of the CDKN1B gene, results from an A to G substitution at nucleotide position 154. The methionine at codon 52 is replaced by valine, an amino acid with highly similar properties. This amino acid position is conserved. In addition, this alteration is predicted to be tolerated by in silico analysis. Since supporting evidence is limited at this time, the clinical significance of this alteration remains unclear.

Labcorp Genetics (formerly Invitae), Labcorp
Classification: Uncertain significance for Multiple endocrine neoplasia type 4. Last evaluated: 2022-11-01. Review status: criteria provided, single submitter. Criteria: Invitae Variant Classification Sherloc (09022015). Collection method: clinical testing. Allele origin: germline.
Comment: This sequence change replaces methionine, which is neutral and non-polar, with valine, which is neutral and non-polar, at codon 52 of the CDKN1B protein (p.Met52Val). This variant is not present in population databases (gnomAD no frequency). This variant has not been reported in the literature in individuals affected with CDKN1B-related conditions. ClinVar contains an entry for this variant (Variation ID: 972320). Algorithms developed to predict the effect of missense changes on protein structure and function are either unavailable or do not agree on the potential impact of this missense change (SIFT: "Deleterious"; PolyPhen-2: "Benign"; Align-GVGD: "Class C15"). In summary, the available evidence is currently insufficient to determine the role of this variant in disease. Therefore, it has been classified as a Variant of Uncertain Significance.